The following is an entry in ClinVar:

ClinVar aggregate classification (germline): Pathogenic/Likely pathogenic. Review status: criteria provided, multiple submitters, no conflicts (2 of 4 stars). 2 submissions from 2 submitters: Pathogenic (1); Likely pathogenic (1). Last evaluated 2024-09-29.

Conditions:
Cardiovascular phenotype. Identifiers: MedGen CN230736.
Hypertrophic cardiomyopathy. Also called: HYPERTROPHIC MYOCARDIOPATHY. Identifiers: Orphanet 217569, MedGen C0007194, MeSH D002312, MONDO:0005045, HP:0001639.

Submissions (2):

Labcorp Genetics (formerly Invitae), Labcorp
Classification: Pathogenic for Hypertrophic cardiomyopathy. Last evaluated: 2024-09-29. Review status: criteria provided, single submitter. Criteria: Invitae Variant Classification Sherloc (09022015). Collection method: clinical testing. Allele origin: germline.
Comment: This sequence change affects an acceptor splice site in intron 15 of the MYBPC3 gene. It is expected to disrupt RNA splicing. Variants that disrupt the donor or acceptor splice site typically lead to a loss of protein function (PMID: 16199547), and loss-of-function variants in MYBPC3 are known to be pathogenic (PMID: 19574547). This variant is not present in population databases (gnomAD no frequency). Disruption of this splice site has been observed in individuals with hypertrophic cardiomyopathy (PMID: 15563892; internal data). Algorithms developed to predict the effect of sequence changes on RNA splicing suggest that this variant may disrupt the consensus splice site. For these reasons, this variant has been classified as Pathogenic.

Molecular Diagnostic Laboratory for Inherited Cardiovascular Disease, Montreal Heart Institute
Classification: Likely pathogenic for Cardiovascular phenotype. Last evaluated: 2024-03-25. Review status: criteria provided, single submitter. Criteria: ACMG Guidelines, 2015. Collection method: clinical testing. Allele origin: germline. Affected: yes.
Comment: PVS1, PM2

Literature cited by the submitters: PubMed 16199547 (cited by Labcorp Genetics (formerly Invitae), Labcorp); PubMed 19574547 (cited by Labcorp Genetics (formerly Invitae), Labcorp); PubMed 15563892 (cited by Labcorp Genetics (formerly Invitae), Labcorp).

NM_000256.3(MYBPC3):c.1352-2A>G

Gene: MYBPC3 (myosin binding protein C3; minus strand). Cytogenetic location: 11p11.2.
Variant type: single nucleotide variant.
Coding change: c.1352-2A>G on transcript NM_000256.3 (MANE Select); the canonical splice acceptor site of the intron before coding-DNA position 1352, A replaced by G.
Molecular consequence: splice acceptor variant.
Genome position (GRCh38, 1-based): chr11:47,342,937, T>C on the plus strand (A>G on the coding strand, the complement: MYBPC3 is on the minus strand). VCF-style: chr11-47342937-T-C. GRCh37 (hg19) VCF-style: chr11-47364488-T-C.
Identifiers: ClinVar variation 3721775 (VCV003721775.3).
Genomic context (GRCh38, chr11:47,342,937, plus strand): 5'-CCGCTGCCCCACCATCACCAGCTGGTCCTCCAAGGGGCGCGTGATGAGCACAGGGGGCTC[T>C]GTCCAGGCAGGGTGAGCATGAGGGTTGGCTCCCCTGAGGCCATCTCCTCCCCAGGTTCCC-3'